The following is an entry in ClinVar:

NM_198282.4(STING1):c.479C>T (p.Ala160Val)

Gene: STING1 (stimulator of interferon response cGAMP interactor 1; minus strand). Cytogenetic location: 5q31.2.
Variant type: single nucleotide variant.
Coding change: c.479C>T on transcript NM_198282.4 (MANE Select); coding-DNA position 479, C replaced by T.
Protein change: p.Ala160Val; replaces alanine 160 with valine.
Molecular consequence: missense variant.
Genome position (GRCh38, 1-based): chr5:139,480,831, G>A on the plus strand (C>T on the coding strand, the complement: STING1 is on the minus strand). VCF-style: chr5-139480831-G-A. GRCh37 (hg19) VCF-style: chr5-138860416-G-A.
Other names: c.479C>T, p.Ala160Val (NM_001301738.2); c.122C>T, p.Ala41Val (NM_001367258.1); short protein forms A160V, A41V.
Identifiers: ClinVar variation 1680255 (VCV001680255.8), dbSNP rs767904008, ClinGen allele CA128748227.

ClinVar aggregate classification (germline): Uncertain significance (1 of 4 stars; one submission).

Conditions:
STING-associated vasculopathy with onset in infancy. Also called: Sting-associated vasculopathy, infantile-onset. Identifiers: Orphanet 425120, MedGen C4014722, MONDO:0014405, OMIM 615934.

Submission:

Labcorp Genetics (formerly Invitae), Labcorp
Classification: Uncertain significance for STING-associated vasculopathy with onset in infancy. Last evaluated: 2022-02-24. Review status: criteria provided, single submitter. Criteria: Invitae Variant Classification Sherloc (09022015). Collection method: clinical testing. Allele origin: germline.
Comment: This sequence change replaces alanine, which is neutral and non-polar, with valine, which is neutral and non-polar, at codon 160 of the TMEM173 protein (p.Ala160Val). This variant is not present in population databases (gnomAD no frequency). This variant has not been reported in the literature in individuals affected with TMEM173-related conditions. Algorithms developed to predict the effect of missense changes on protein structure and function are either unavailable or do not agree on the potential impact of this missense change (SIFT: "Deleterious"; PolyPhen-2: "Probably Damaging"; Align-GVGD: "Class C0"). Algorithms developed to predict the effect of sequence changes on RNA splicing suggest that this variant may create or strengthen a splice site. In summary, the available evidence is currently insufficient to determine the role of this variant in disease. Therefore, it has been classified as a Variant of Uncertain Significance.